The following is an entry in ClinVar:

ClinVar aggregate classification (germline): Uncertain significance (1 of 4 stars; one submission).

Submission:

Ambry Genetics
Classification: Uncertain significance. Last evaluated: 2021-08-27. Review status: criteria provided, single submitter. Criteria: Ambry Variant Classification Scheme 2023. Collection method: clinical testing. Allele origin: germline.
Comment: The p.L3562F variant (also known as c.10686G>T), located in coding exon 75 of the PRKDC gene, results from a G to T substitution at nucleotide position 10686. The leucine at codon 3562 is replaced by phenylalanine, an amino acid with highly similar properties. This amino acid position is conserved. In addition, this alteration is predicted to be deleterious by in silico analysis. Since supporting evidence is limited at this time, the clinical significance of this alteration remains unclear.

NM_006904.7(PRKDC):c.10686G>T (p.Leu3562Phe)

Gene: PRKDC (protein kinase, DNA-activated, catalytic subunit; minus strand). Cytogenetic location: 8q11.21.
Variant type: single nucleotide variant.
Coding change: c.10686G>T on transcript NM_006904.7 (MANE Select); coding-DNA position 10686, G replaced by T.
Protein change: p.Leu3562Phe; replaces leucine 3562 with phenylalanine.
Molecular consequence: missense variant.
Genome position (GRCh38, 1-based): chr8:47,789,223, C>A on the plus strand (G>T on the coding strand, the complement: PRKDC is on the minus strand). VCF-style: chr8-47789223-C-A. GRCh37 (hg19) VCF-style: chr8-48701784-C-A.
Other names: c.10686G>T, p.Leu3562Phe (NM_001081640.2); short protein forms L3562F.
Identifiers: ClinVar variation 1782348 (VCV001782348.2), dbSNP rs2551861421, ClinGen allele CA371132490.
Genomic context (GRCh38, chr8:47,789,223, plus strand): 5'-TTCAGGATTAGAGAGCTGATCTAAGGCATTAATAAAATCTTGAATCACTCCTCCTTGATC[C>A]AACTTACTTTTAATCCTATTTAAAAAAATTTACAAAGTTTAGGCAATCAAATATCTTCCA-3'
Protein context (NP_008835.5, residues 3552-3572): KEFVARIKSK[Leu3562Phe]DQGGVIQDFI